The following is an entry in ClinVar:

NM_022552.5(DNMT3A):c.2385G>A (p.Trp795Ter)

Gene: DNMT3A (DNA methyltransferase 3 alpha; minus strand). Cytogenetic location: 2p23.3.
Variant type: single nucleotide variant.
Coding change: c.2385G>A on transcript NM_022552.5 (MANE Select); coding-DNA position 2385, G replaced by A.
Protein change: p.Trp795Ter; replaces tryptophan 795 with a stop codon.
Molecular consequence: nonsense. On other transcripts: non-coding transcript variant (1).
Genome position (GRCh38, 1-based): chr2:25,239,153, C>T on the plus strand (G>A on the coding strand, the complement: DNMT3A is on the minus strand). VCF-style: chr2-25239153-C-T. GRCh37 (hg19) VCF-style: chr2-25462022-C-T.
Other names: c.1929G>A, p.Trp643Ter (NM_001320893.1); c.1716G>A, p.Trp572Ter (NM_001375819.1); c.1818G>A, p.Trp606Ter (NM_153759.3); c.2385G>A, p.Trp795Ter (NM_175629.2); short protein forms W643*, W795*, W606*, W572*.
Identifiers: ClinVar variation 656461 (VCV000656461.7), dbSNP rs1395575712, ClinGen allele CA346069463.

ClinVar aggregate classification (germline): Pathogenic (1 of 4 stars; one submission).

Conditions:
Tatton-Brown-Rahman overgrowth syndrome. Also called: Tall stature-intellectual disability-facial dysmorphism syndrome; Tatton-Brown-Rahman syndrome. Identifiers: Orphanet 404443, MedGen C4014545, MONDO:0014382, OMIM 615879.

gnomAD v4.1: 5 of 1,614,018 alleles (0.00031%); highest among the groups gnomAD compares: Non-Finnish European, 0.00042%; no homozygotes.

Submission:

Labcorp Genetics (formerly Invitae), Labcorp
Classification: Pathogenic for Tatton-Brown-Rahman overgrowth syndrome. Last evaluated: 2018-12-16. Review status: criteria provided, single submitter. Criteria: Invitae Variant Classification Sherloc (09022015). Collection method: clinical testing. Allele origin: germline.
Comment: For these reasons, this variant has been classified as Pathogenic. Loss-of-function variants in DNMT3A are known to be pathogenic (PMID: 24614070). This variant has not been reported in the literature in individuals with DNMT3A-related conditions. This variant is not present in population databases (ExAC no frequency). This sequence change creates a premature translational stop signal (p.Trp795*) in the DNMT3A gene. It is expected to result in an absent or disrupted protein product.

Literature cited by the submitters: PubMed 24614070.